The following is an entry in ClinVar:

ClinVar aggregate classification (germline): Uncertain significance (1 of 4 stars; one submission).

Conditions:
Cystic fibrosis (CF). Also called: MUCOVISCIDOSIS. Identifiers: Orphanet 586, MedGen C0010674, MONDO:0009061, OMIM 219700. Disease mechanism: loss of function.

Submission:

Ambry Genetics
Classification: Uncertain significance for Cystic fibrosis. Last evaluated: 2023-05-02. Review status: criteria provided, single submitter. Criteria: Ambry Variant Classification Scheme 2023. Collection method: clinical testing. Allele origin: germline.
Comment: The p.G228D variant (also known as c.683G>A), located in coding exon 6 of the CFTR gene, results from a G to A substitution at nucleotide position 683. The glycine at codon 228 is replaced by aspartic acid, an amino acid with similar properties. This amino acid position is poorly conserved in available vertebrate species. In addition, the in silico prediction for this alteration is inconclusive. Since supporting evidence is limited at this time, the clinical significance of this alteration remains unclear.

NM_000492.4(CFTR):c.683G>A (p.Gly228Asp)

Gene: CFTR (CF transmembrane conductance regulator; plus strand). Cytogenetic location: 7q31.2.
Variant type: single nucleotide variant.
Coding change: c.683G>A on transcript NM_000492.4 (MANE Select); coding-DNA position 683, G replaced by A.
Protein change: p.Gly228Asp; replaces glycine 228 with aspartic acid.
Molecular consequence: missense variant.
Genome position (GRCh38, 1-based): chr7:117,535,351, G>A. VCF-style: chr7-117535351-G-A. GRCh37 (hg19) VCF-style: chr7-117175405-G-A.
Other names: short protein forms G228D.
Identifiers: ClinVar variation 2567877 (VCV002567877.2), dbSNP rs2485017280, ClinGen allele CA368977041.